The following is an entry in ClinVar:

ClinVar aggregate classification (germline): Uncertain significance (1 of 4 stars; one submission).

Submission:

GeneDx
Classification: Uncertain significance. Last evaluated: 2025-03-31. Review status: criteria provided, single submitter. Criteria: GeneDx Variant Classification Process June 2021. Collection method: clinical testing. Allele origin: germline. Affected: yes.
Comment: Not observed at significant frequency in large population cohorts (gnomAD); Frameshift variant predicted to result in protein truncation or nonsense mediated decay in a gene or region of a gene for which loss of function is not a well-established mechanism of disease; Has not been previously published as pathogenic or benign to our knowledge

NM_006445.4(PRPF8):c.405_408dup (p.Glu137delinsHisTer)

Gene: PRPF8 (pre-mRNA processing factor 8; minus strand). Cytogenetic location: 17p13.3.
Variant type: Duplication.
Coding change: c.405_408dup on transcript NM_006445.4 (MANE Select); coding-DNA positions 405 to 408, 4 bases duplicated (CATT; older notation c.405_408dupCATT).
Protein change: p.Glu137delinsHisTer.
Molecular consequence: nonsense.
Genome position (GRCh38, 1-based): chr17:1,682,155-1,682,158, AATG duplicated on the plus strand (CATT on the coding strand, the reverse complement: PRPF8 is on the minus strand); duplicating any 4 consecutive bases within chr17:1,682,155-1,682,159 gives the same sequence; the c. name uses the placement nearest the transcript's 3' end. VCF-style (leftmost placement, unchanged base first): chr17-1682154-C-CAATG. GRCh37 (hg19) VCF-style: chr17-1585448-C-CAATG.
Identifiers: ClinVar variation 4278852 (VCV004278852.1).